The following is an entry in ClinVar:

ClinVar aggregate classification (germline): Uncertain significance (1 of 4 stars; one submission).

Allele frequency attached by ClinVar (database versions not stated): gnomAD exomes 0.00001; gnomAD 0.00001; TOPMed 0.00002.

Submission:

Labcorp Genetics (formerly Invitae), Labcorp
Classification: Uncertain significance. Last evaluated: 2025-09-19. Review status: criteria provided, single submitter. Criteria: Invitae Variant Classification Sherloc (09022015). Collection method: clinical testing. Allele origin: germline.
Comment: This sequence change replaces valine, which is neutral and non-polar, with methionine, which is neutral and non-polar, at codon 162 of the OR2W3 protein (p.Val162Met). This variant is present in population databases (no rsID available, gnomAD 0.006%). This variant has not been reported in the literature in individuals affected with OR2W3-related conditions. ClinVar contains an entry for this variant (Variation ID: 2976343). An algorithm developed to predict the effect of missense changes on protein structure and function (PolyPhen-2) suggests that this variant is likely to be tolerated. In summary, the available evidence is currently insufficient to determine the role of this variant in disease. Therefore, it has been classified as a Variant of Uncertain Significance.

NM_001001957.2(OR2W3):c.484G>A (p.Val162Met)

Gene: OR2W3 (olfactory receptor family 2 subfamily W member 3; plus strand). Cytogenetic location: 1q44.
Variant type: single nucleotide variant.
Coding change: c.484G>A on transcript NM_001001957.2 (MANE Select); coding-DNA position 484, G replaced by A.
Protein change: p.Val162Met; replaces valine 162 with methionine.
Molecular consequence: missense variant.
Genome position (GRCh38, 1-based): chr1:247,896,070, G>A. VCF-style: chr1-247896070-G-A. GRCh37 (hg19) VCF-style: chr1-248059372-G-A.
Other names: short protein forms V162M.
Identifiers: ClinVar variation 2976343 (VCV002976343.3), dbSNP rs1197172737, ClinGen allele CA345593659.